The following is an entry in ClinVar:

ClinVar aggregate classification (germline): Likely benign. Review status: criteria provided, multiple submitters, no conflicts (2 of 4 stars). 2 submissions from 2 submitters: Likely benign (2). Last evaluated 2026-07-07.

Conditions:
Rhabdoid tumor predisposition syndrome 2 (RTPS2). Identifiers: Orphanet 231108, Orphanet 69077, MedGen C2750074, MONDO:0013224, OMIM 613325.

Allele frequency attached by ClinVar (database versions not stated): TOPMed 0.00001; gnomAD exomes below 0.00001.
gnomAD v4.1: 1 of 1,613,994 alleles (0.000062%); highest among the groups gnomAD compares: Non-Finnish European, 0.000085%; no homozygotes.

Submissions (2):

Myriad Genetics, Inc.
Classification: Likely benign for Rhabdoid tumor predisposition syndrome 2. Last evaluated: 2026-07-07. Review status: criteria provided, single submitter. Criteria: Myriad Autosomal Dominant, Autosomal Recessive and X-Linked Classification Criteria (2023). Collection method: clinical testing. Allele origin: unknown.
Comment: This variant is considered likely benign. This variant is intronic and is not expected to impact mRNA splicing.

Labcorp Genetics (formerly Invitae), Labcorp
Classification: Likely benign for Rhabdoid tumor predisposition syndrome 2. Last evaluated: 2024-12-08. Review status: criteria provided, single submitter. Criteria: Invitae Variant Classification Sherloc (09022015). Collection method: clinical testing. Allele origin: germline.

NM_003072.5(SMARCA4):c.3216-10C>T

Gene: SMARCA4 (SWI/SNF related BAF chromatin remodeling complex subunit ATPase 4; plus strand). Cytogenetic location: 19p13.2.
Variant type: single nucleotide variant.
Coding change: c.3216-10C>T on transcript NM_003072.5 (MANE Select); 10 bases into the intron before coding-DNA position 3216, C replaced by T.
Molecular consequence: intron variant.
Genome position (GRCh38, 1-based): chr19:11,027,774, C>T. VCF-style: chr19-11027774-C-T. GRCh37 (hg19) VCF-style: chr19-11138450-C-T.
Other names: c.3216-10C>T (NM_001128844.3, NM_001128849.3, NM_001128847.4 and 5 more transcripts).
Identifiers: ClinVar variation 415167 (VCV000415167.12), dbSNP rs1013323481, ClinGen allele CA16615936.